The following is an entry in ClinVar:

ClinVar aggregate classification (germline): Uncertain significance (1 of 4 stars; one submission).

Allele frequency attached by ClinVar (database versions not stated): gnomAD exomes 0.00001; ExAC 0.00002; TOPMed 0.00005; gnomAD 0.00009; ESP Exome Variant Server 0.00015.
gnomAD v4.1: 26 of 1,614,062 alleles (0.0016%); highest among the groups gnomAD compares: African/African-American, 0.023%; no homozygotes.

Submission:

Labcorp Genetics (formerly Invitae), Labcorp
Classification: Uncertain significance. Last evaluated: 2022-07-12. Review status: criteria provided, single submitter. Criteria: Invitae Variant Classification Sherloc (09022015). Collection method: clinical testing. Allele origin: germline.
Comment: This sequence change replaces glycine, which is neutral and non-polar, with arginine, which is basic and polar, at codon 356 of the TRMT5 protein (p.Gly356Arg). This variant is present in population databases (rs146619348, gnomAD 0.02%). This variant has not been reported in the literature in individuals affected with TRMT5-related conditions. Algorithms developed to predict the effect of missense changes on protein structure and function (SIFT, PolyPhen-2, Align-GVGD) all suggest that this variant is likely to be disruptive. In summary, the available evidence is currently insufficient to determine the role of this variant in disease. Therefore, it has been classified as a Variant of Uncertain Significance.

NM_020810.3(TRMT5):c.1066G>A (p.Gly356Arg)

Gene: TRMT5 (tRNA methyltransferase 5; minus strand). Cytogenetic location: 14q23.1.
Variant type: single nucleotide variant.
Coding change: c.1066G>A on transcript NM_020810.3 (MANE Select); coding-DNA position 1066, G replaced by A.
Protein change: p.Gly356Arg; replaces glycine 356 with arginine.
Molecular consequence: missense variant.
Genome position (GRCh38, 1-based): chr14:60,975,853, C>T on the plus strand (G>A on the coding strand, the complement: TRMT5 is on the minus strand). VCF-style: chr14-60975853-C-T. GRCh37 (hg19) VCF-style: chr14-61442571-C-T.
Other names: c.1150G>A, p.Gly384Arg (NM_001350253.1); c.1147G>A, p.Gly383Arg (NM_001350254.1); short protein forms G383R, G384R, G356R.
Identifiers: ClinVar variation 1986593 (VCV001986593.1), dbSNP rs146619348, ClinGen allele CA7213775.
Genomic context (GRCh38, chr14:60,975,853, plus strand): 5'-TTGACAGACCCAGCAGCTGCATTAACTCTTCTTTGACTGGTCCTTGGAGGAAGTCTTTCC[C>T]ATCCAAGTTGAAGACTTTCACCTTTTGGTCCACTTTATTTAATTTACAGTTGTACAACAG-3'
Protein context (NP_065861.3, residues 346-366): DQKVKVFNLD[Gly356Arg]KDFLQGPVKE